The following is an entry in ClinVar:

NM_000262.2(NAGA):c.-604G>A

Gene: NAGA (alpha-N-acetylgalactosaminidase; minus strand). Cytogenetic location: 22q13.2.
Variant type: single nucleotide variant.
Coding change: c.-604G>A on transcript NM_000262.2; 604 bases upstream of the start codon, G replaced by A.
Genome position (GRCh38, 1-based): chr22:42,070,901, C>T on the plus strand (G>A on the coding strand, the complement: NAGA is on the minus strand). VCF-style: chr22-42070901-C-T. GRCh37 (hg19) VCF-style: chr22-42466905-C-T.
Identifiers: ClinVar variation 684292 (VCV000684292.4), dbSNP rs133376, ClinGen allele CA14942111.

ClinVar aggregate classification (germline): Benign. Review status: criteria provided, multiple submitters, no conflicts (2 of 4 stars). 2 submissions from 2 submitters: Benign (2). Last evaluated 2018-06-19.

Allele frequency attached by ClinVar (database versions not stated): gnomAD 0.35247 and 0.35760; 1000 Genomes Project 0.32748; TOPMed 0.35002; 1000 Genomes Project 30x 0.32511; gnomAD exomes 0.49142.

Submissions (2):

GeneDx
Classification: Benign. Last evaluated: 2018-06-19. Review status: criteria provided, single submitter. Criteria: GeneDx Variant Classification (06012015). Collection method: clinical testing. Allele origin: germline. Affected: yes.
Comment: This variant is considered likely benign or benign based on one or more of the following criteria: it is a conservative change, it occurs at a poorly conserved position in the protein, it is predicted to be benign by multiple in silico algorithms, and/or has population frequency not consistent with disease.

Breakthrough Genomics
Classification: Benign. Review status: criteria provided, single submitter. Criteria: ACMG Guidelines, 2015. Collection method: not provided. Allele origin: germline. Inheritance: Autosomal recessive inheritance. Affected: yes.